The following is an entry in ClinVar:

NM_005334.3(HCFC1):c.4733C>T (p.Thr1578Ile)

Gene: HCFC1 (host cell factor C1; minus strand). Cytogenetic location: Xq28.
Variant type: single nucleotide variant.
Coding change: c.4733C>T on transcript NM_005334.3 (MANE Select); coding-DNA position 4733, C replaced by T.
Protein change: p.Thr1578Ile; replaces threonine 1578 with isoleucine.
Molecular consequence: missense variant.
Genome position (GRCh38, 1-based): chrX:153,952,723, G>A on the plus strand (C>T on the coding strand, the complement: HCFC1 is on the minus strand). VCF-style: chrX-153952723-G-A. GRCh37 (hg19) VCF-style: chrX-153218174-G-A.
Other names: short protein forms T1578I.
Identifiers: ClinVar variation 958252 (VCV000958252.16), dbSNP rs1252960661, ClinGen allele CA415112225.
Genomic context (GRCh38, chrX:153,952,723, plus strand): 5'-CCAGCTTGGGCCTCGGCCATTAGCTCTTGGGGAAGTGATAACTGGTCTACTTCGGACTGT[G>A]TGGGTGGGGGTGGCTGGACCACCACAGTGGCCACCACCGCAGAGCCGGCAGACTCCTGGC-3'
Protein context (NP_005325.2, residues 1568-1588): ATVVVQPPPP[Thr1578Ile]QSEVDQLSLP

ClinVar aggregate classification (germline): Conflicting classifications of pathogenicity. Review status: criteria provided, conflicting classifications (1 of 4 stars). 3 submissions from 3 submitters: Uncertain significance (1); Likely benign (2). Last evaluated 2026-04-01.

Conditions:
Inborn genetic diseases. Identifiers: MedGen C0950123, MeSH D030342.
Methylmalonic acidemia with homocystinuria, type cblX (MAHCX). Also called: INTELLECTUAL DEVELOPMENTAL DISORDER, X-LINKED 3. Identifiers: Orphanet 369962, MedGen C0796208, MONDO:0010657, OMIM 309541.

Allele frequency attached by ClinVar (database versions not stated): gnomAD exomes 0.00001 and 0.00003; TOPMed 0.00002.

Submissions (3):

CeGaT Center for Human Genetics Tuebingen
Classification: Likely benign. Last evaluated: 2026-04-01. Review status: criteria provided, single submitter. Criteria: CeGaT Center For Human Genetics Tuebingen Variant Classification Criteria Version 2. Collection method: clinical testing. Allele origin: germline. Affected: yes. Observed: 2 variant alleles.
Comment: HCFC1: BP4, BS2

Labcorp Genetics (formerly Invitae), Labcorp
Classification: Uncertain significance for Methylmalonic acidemia with homocystinuria, type cblX. Last evaluated: 2025-01-26. Review status: criteria provided, single submitter. Criteria: Invitae Variant Classification Sherloc (09022015). Collection method: clinical testing. Allele origin: germline.
Comment: This sequence change replaces threonine, which is neutral and polar, with isoleucine, which is neutral and non-polar, at codon 1578 of the HCFC1 protein (p.Thr1578Ile). This variant is present in population databases (no rsID available, gnomAD 0.02%), including at least one homozygous and/or hemizygous individual. This variant has not been reported in the literature in individuals affected with HCFC1-related conditions. ClinVar contains an entry for this variant (Variation ID: 958252). An algorithm developed to predict the effect of missense changes on protein structure and function (PolyPhen-2) suggests that this variant is likely to be tolerated. In summary, the available evidence is currently insufficient to determine the role of this variant in disease. Therefore, it has been classified as a Variant of Uncertain Significance.

Ambry Genetics
Classification: Likely benign for Inborn genetic diseases. Last evaluated: 2023-04-13. Review status: criteria provided, single submitter. Criteria: Ambry Variant Classification Scheme 2023. Collection method: clinical testing. Allele origin: germline.